The following is an entry in ClinVar:

ClinVar aggregate classification (germline): Uncertain significance. Review status: criteria provided, multiple submitters, no conflicts (2 of 4 stars). 2 submissions from 2 submitters: Uncertain significance (2). Last evaluated 2024-10-09.

Conditions:
Arrhythmogenic cardiomyopathy with wooly hair and keratoderma. Also called: PALMOPLANTAR KERATODERMA WITH LEFT VENTRICULAR CARDIOMYOPATHY AND WOOLLY HAIR; Dilated cardiomyopathy with woolly hair and keratoderma; Arrhythmogenic cardiomyopathy with woolly hair and keratoderma; Carvajal syndrome. Identifiers: Orphanet 65282, MedGen C1854063, MONDO:0011581, OMIM 605676.
Arrhythmogenic right ventricular dysplasia 8 (ARVD8). Also called: ARRHYTHMOGENIC RIGHT VENTRICULAR DYSPLASIA, FAMILIAL, 8; Arrhythmogenic Right Ventricular Dysplasia/Cardiomyopathy 8; ARRHYTHMOGENIC RIGHT VENTRICULAR CARDIOMYOPATHY 8. Identifiers: MedGen C1843896, MONDO:0011831, OMIM 607450.

Allele frequency attached by ClinVar (database versions not stated): gnomAD exomes 0.00002.

Submissions (2):

Labcorp Genetics (formerly Invitae), Labcorp
Classification: Uncertain significance for Arrhythmogenic cardiomyopathy with wooly hair and keratoderma; Arrhythmogenic right ventricular dysplasia 8. Last evaluated: 2024-10-09. Review status: criteria provided, single submitter. Criteria: Invitae Variant Classification Sherloc (09022015). Collection method: clinical testing. Allele origin: germline.
Comment: This sequence change replaces glutamine, which is neutral and polar, with leucine, which is neutral and non-polar, at codon 139 of the DSP protein (p.Gln139Leu). This variant is not present in population databases (gnomAD no frequency). This variant has not been reported in the literature in individuals affected with DSP-related conditions. ClinVar contains an entry for this variant (Variation ID: 1038756). An algorithm developed to predict the effect of missense changes on protein structure and function (PolyPhen-2) suggests that this variant is likely to be tolerated. In summary, the available evidence is currently insufficient to determine the role of this variant in disease. Therefore, it has been classified as a Variant of Uncertain Significance.

All of Us Research Program, National Institutes of Health
Classification: Uncertain significance for Arrhythmogenic cardiomyopathy with wooly hair and keratoderma. Last evaluated: 2023-08-28. Review status: criteria provided, single submitter. Criteria: ACMG Guidelines, 2015. Collection method: clinical testing. Allele origin: germline. Inheritance: Autosomal dominant inheritance. Observed: 1 variant allele, 1 heterozygote.
Comment: This missense variant replaces glutamine with leucine at codon 139 of the DSP protein. Computational prediction suggests that this variant may not impact protein structure and function (internally defined REVEL score threshold <= 0.5, PMID: 27666373). To our knowledge, functional studies have not been reported for this variant. This variant has not been reported in individuals affected with DSP-related disorders in the literature. This variant has not been identified in the general population by the Genome Aggregation Database (gnomAD). The available evidence is insufficient to determine the role of this variant in disease conclusively. Therefore, this variant is classified as a Variant of Uncertain Significance.

This study involves interpretation of variants in research participants for the purpose of population health screening. Participant phenotype was not available at the time of variant classification. Additional details can be found in publication PMID: 35346344, PMCID: PMC8962531

NM_004415.4(DSP):c.416A>T (p.Gln139Leu)

Gene: DSP (desmoplakin; plus strand). Cytogenetic location: 6p24.3.
Variant type: single nucleotide variant.
Coding change: c.416A>T on transcript NM_004415.4 (MANE Select); coding-DNA position 416, A replaced by T.
Protein change: p.Gln139Leu; replaces glutamine 139 with leucine.
Molecular consequence: missense variant.
Genome position (GRCh38, 1-based): chr6:7,558,258, A>T. VCF-style: chr6-7558258-A-T. GRCh37 (hg19) VCF-style: chr6-7558491-A-T.
Other names: c.416A>T, p.Gln139Leu (NM_001008844.3, NM_001319034.2); short protein forms Q139L.
Identifiers: ClinVar variation 1038756 (VCV001038756.10), dbSNP rs1385183881, ClinGen allele CA362671431.